The following is an entry in ClinVar:

ClinVar aggregate classification (germline): Pathogenic/Likely pathogenic. Review status: criteria provided, multiple submitters, no conflicts (2 of 4 stars). 7 submissions from 7 submitters: Pathogenic (2); Likely pathogenic (5). Last evaluated 2026-04-14.

Conditions:
ABCB11-related disorder. Also called: ABCB11-related condition.
Familial intrahepatic cholestasis. Identifiers: Orphanet 284385, MedGen CN296401, MONDO:0017290.
Progressive familial intrahepatic cholestasis (PFIC). Also called: Progressive family intrahepatic cholestasis; Progressive intrahepatic cholestasis. Identifiers: Orphanet 172, MedGen C0268312, MONDO:0015762.
Progressive familial intrahepatic cholestasis type 2. Identifiers: Orphanet 79304, MedGen C3489789, MONDO:0011156, OMIM 601847.

Allele frequency attached by ClinVar (database versions not stated): gnomAD exomes below 0.00001.
gnomAD v4.1: 1 of 1,613,892 alleles (0.000062%); highest among the groups gnomAD compares: Non-Finnish European, 0.000085%; no homozygotes.

Submissions (7):

Genomenon, Inc
Classification: Likely pathogenic for Familial intrahepatic cholestasis. Last evaluated: 2026-04-14. Review status: criteria provided, single submitter. Criteria: Genomenon Sequence Variant Interpretation Standards - Updated. Collection method: curation. Allele origin: germline. Affected: yes.
Comment: ABCB11 p.Arg1268Gln (c.3803G>A) is a missense variant that changes the amino acid at residue 1268 from Arginine to Glutamine. This variant has been observed in at least one proband with an ABCB11-related disorder (PMID:37697751;32508937;17876294;9806540). At least one functional study has demonstrated a substantial alteration in protein function relative to the wild-type (PMID:40195555;17947449;12370274). It is absent or not present at a significant frequency in gnomAD. In silico models predict that this variant is possibly or probably damaging. In conclusion, we classify ABCB11 p.Arg1268Gln (c.3803G>A) as a likely pathogenic variant.

Natera, Inc.
Classification: Likely pathogenic for Progressive familial intrahepatic cholestasis type 2. Last evaluated: 2025-09-29. Review status: criteria provided, single submitter. Criteria: Natera Variant Classification Schema (03/2026). Collection method: clinical testing. Allele origin: germline.
Comment: The c.3803G>A variant in ABCB11 is a missense variant predicted to cause substitution of arginine to glutamine at amino acid 1268. This variant is rare in the general population with a frequency below the threshold expected for the associated phenotype(s). This variant has been observed in one or more individuals affected with the associated recessive disease, as either homozygous or compound heterozygous with a second variant (PMID: 9806540, 32508937). Functional studies show that this variant may disrupt protein function (PMID: 17947449). A different variant at the same position has been determined to be Pathogenic or Likely Pathogenic. Computational prediction algorithms indicate this variant is likely to affect gene or protein function. Given the available evidence, this variant is classified as Likely Pathogenic.

PreventionGenetics, part of Exact Sciences
Classification: Pathogenic for ABCB11-related condition. Last evaluated: 2025-06-18. Review status: criteria provided, single submitter. Criteria: ACMG Guidelines, 2015. Collection method: clinical testing. Allele origin: germline.
Comment: The ABCB11 c.3803G>A variant is predicted to result in the amino acid substitution p.Arg1268Gln. This variant has been reported in the homozygous state in patients with progressive familial intrahepatic cholestasis (Strautnieks et al. 1998. PubMed ID: 9806540; Sura et al. 2020. PubMed ID: 32508937). Functional analysis showed that this variant impaired proper protein trafficking and promoted protein aggregation (Wang et al. 2002. PubMed ID: 12370274). This variant has not been reported in a large population database (gnomAD), indicating this variant is rare. Of note another variant impacting the same amino acid (p.Arg1268Pro) has also been reported in the biallelic state in a patient with ABCB11-related disease (Li et al. 2020. PubMed ID: 32808743). Based on this evidence, we interpret the c.3803G>A (p.Arg1268Gln) as pathogenic.

GeneDx
Classification: Likely pathogenic. Last evaluated: 2025-04-22. Review status: criteria provided, single submitter. Criteria: GeneDx Variant Classification Process June 2021. Collection method: clinical testing. Allele origin: germline. Affected: yes.
Comment: Not observed at significant frequency in large population cohorts (gnomAD); Published functional studies demonstrate a damaging effect through reduced protein trafficking and reduced taurocholate transport activity (PMID: 12370274); In silico analysis supports that this missense variant has a deleterious effect on protein structure/function; This variant is associated with the following publications: (PMID: 18798335, 19101985, 9806540, 32508937, 12370274)

Broad Center for Mendelian Genomics, Broad Institute of MIT and Harvard
Classification: Likely pathogenic for Progressive familial intrahepatic cholestasis type 2. Last evaluated: 2025-01-22. Review status: criteria provided, single submitter. Criteria: ACMG Guidelines, 2015. Collection method: curation. Allele origin: germline. Inheritance: Autosomal recessive inheritance.
Comment: The p.Arg1268Gln variant in ABCB11 has been reported in 3 individuals with BSEP deficiency (PMID: 9806540, 32508937), and has been identified in 0.0001% (1/761904) of European (non-Finnish) chromosomes by the Genome Aggregation Database (gnomAD; dbSNP ID: rs555881834). Although this variant has been seen in the general population in a heterozygous state, its frequency is low enough to be consistent with a recessive carrier frequency. This variant has also been reported in ClinVar (Variation ID: 2504002) and has been interpreted as pathogenic/likely pathogenic by Women's Health and Genetics/Laboratory Corporation of America, LabCorp, and Rolfs Rare Disease Consulting (Rolfs Consulting Und Verwaltungs GmbH). Of the 3 affected individuals, all of those were homozygotes, which increases the likelihood that the p.Arg1268Gln variant is pathogenic (PMID: 9806540, 32508937). In vitro functional studies provide some evidence that the p.Arg1268Gln variant may slightly impact protein function (PMID: 12370274, 18798335). However, these types of assays may not accurately represent biological function. Computational prediction tools and conservation analyses suggest that this variant may impact the protein, though this information is not predictive enough to determine pathogenicity. In summary, although additional studies are required to fully establish its clinical significance, this variant is likely pathogenic for autosomal recessive BSEP deficiency. ACMG/AMP Criteria applied: PP3_moderate, PM3, PM2_supporting, PS3_supporting (Richards 2015).

Women's Health and Genetics/Laboratory Corporation of America, LabCorp
Classification: Pathogenic for Progressive familial intrahepatic cholestasis. Last evaluated: 2023-04-06. Review status: criteria provided, single submitter. Criteria: LabCorp Variant Classification Summary - May 2015. Collection method: clinical testing. Allele origin: germline.
Comment: Variant summary: ABCB11 c.3803G>A (p.Arg1268Gln) results in a conservative amino acid change located in the ATP-binding domain (IPR003439) of the encoded protein sequence. Four of five in-silico tools predict a damaging effect of the variant on protein function. The variant was absent in 247004 control chromosomes (gnomAD). c.3803G>A has been reported in the literature in at least three homozygous individuals affected with Familial Intrahepatic Cholestasis (e.g. Strautnieks_1998, Sura_2020). These data indicate that the variant is very likely to be associated with disease. Functional evidence shows that the variant results in the production of an immature protein which is localized in the cytoplasm as opposed to being trafficked to the apical membrane (e.g. Wang_2002, Byrne_2009). No clinical diagnostic laboratories have submitted clinical-significance assessments for this variant to ClinVar after 2014. Based on the evidence outlined above, the variant was classified as pathogenic.

Rolfs Rare Disease Consulting, Rolfs Consulting Und Verwaltungs GmbH
Classification: Likely pathogenic for Progressive familial intrahepatic cholestasis type 2. Last evaluated: 2021-01-01. Review status: criteria provided, single submitter. Criteria: ACMG Guidelines, 2015. Collection method: clinical testing. Allele origin: germline. Affected: yes.

Literature cited by the submitters: PubMed 37697751 (cited by Genomenon, Inc); PubMed 32508937 (cited by 3 submitters); PubMed 17876294 (cited by Genomenon, Inc); PubMed 9806540 (cited by 3 submitters); PubMed 40195555 (cited by Genomenon, Inc); PubMed 17947449 (cited by Genomenon, Inc and Natera, Inc.); PubMed 12370274 (cited by Genomenon, Inc and Women's Health and Genetics/Laboratory Corporation of America, LabCorp); PubMed 19101985 (cited by Women's Health and Genetics/Laboratory Corporation of America, LabCorp).

NM_003742.4(ABCB11):c.3803G>A (p.Arg1268Gln)

Gene: ABCB11 (ATP binding cassette subfamily B member 11; minus strand). Cytogenetic location: 2q31.1.
Variant type: single nucleotide variant.
Coding change: c.3803G>A on transcript NM_003742.4 (MANE Select); coding-DNA position 3803, G replaced by A.
Protein change: p.Arg1268Gln; replaces arginine 1268 with glutamine.
Molecular consequence: missense variant.
Genome position (GRCh38, 1-based): chr2:168,923,785, C>T on the plus strand (G>A on the coding strand, the complement: ABCB11 is on the minus strand). VCF-style: chr2-168923785-C-T. GRCh37 (hg19) VCF-style: chr2-169780295-C-T.
Other names: NM_003742.4(ABCB11):c.3803G>A; p.Arg1268Gln; c.3803G>A (NM_003742.2); short protein forms R1268Q.
Identifiers: ClinVar variation 2504002 (VCV002504002.7), dbSNP rs72549394, ClinGen allele CA59867827.
Genomic context (GRCh38, chr2:168,923,785, plus strand): 5'-ACAGCAATGATATCCGCGTTCTGGATGGTGGACAAGCGATGGGCAATGACAATGCAGGTC[C>T]GACCCTCTCTGGCTTTGTCTAGAGCAACCTGCACCGTCTGCAAAGAGAAGATGGAAAGTT-3'
Protein context (NP_003733.2, residues 1258-1278): QVALDKAREG[Arg1268Gln]TCIVIAHRLS